The following is an entry in ClinVar:

ClinVar aggregate classification (germline): Pathogenic (3 of 4 stars; one submission).

Conditions:
Lynch syndrome. Identifiers: Orphanet 144, MedGen C4552100, MONDO:0005835. Disease mechanism: loss of function.

Submission:

International Society for Gastrointestinal Hereditary Tumours (InSiGHT)
Classification: Pathogenic for Lynch Syndrome. Last evaluated: 2013-09-05. Review status: reviewed by expert panel. Criteria: Guidelines v1.9. Collection method: research. Allele origin: germline.
Comment: Large deletion

Classified with v1.9 guidelines

NM_000535.5(PMS2):c.1145-1350_*20545del

Gene: PMS2 (PMS1 homolog 2, mismatch repair system component; minus strand).
Variant type: Deletion.
Coding change: c.1145-1350_*20545del on transcript NM_000535.5; 1350 bases into the intron before coding-DNA position 1145 through 20545 bases downstream of the stop codon, this stretch deleted.
Other names: c.1145-1350_*20545del (LRG_161t1).
Identifiers: ClinVar variation 91292 (VCV000091292.2).